The following is an entry in ClinVar:

NM_144670.6(A2ML1):c.1163A>C (p.Asn388Thr)

Gene: A2ML1 (alpha-2-macroglobulin like 1; plus strand). Cytogenetic location: 12p13.31.
Variant type: single nucleotide variant.
Coding change: c.1163A>C on transcript NM_144670.6 (MANE Select); coding-DNA position 1163, A replaced by C.
Protein change: p.Asn388Thr; replaces asparagine 388 with threonine.
Molecular consequence: missense variant.
Genome position (GRCh38, 1-based): chr12:8,841,451, A>C. VCF-style: chr12-8841451-A-C. GRCh37 (hg19) VCF-style: chr12-8994047-A-C.
Other names: short protein forms N388T.
Identifiers: ClinVar variation 1737434 (VCV001737434.9), dbSNP rs757455501, ClinGen allele CA232675423.

ClinVar aggregate classification (germline): Uncertain significance. Review status: criteria provided, multiple submitters, no conflicts (2 of 4 stars). 2 submissions from 2 submitters: Uncertain significance (2). Last evaluated 2025-09-23.

Allele frequency attached by ClinVar (database versions not stated): gnomAD 0.00004.
gnomAD v4.1: 10 of 1,614,008 alleles (0.00062%); highest among the groups gnomAD compares: African/African-American, 0.008%; no homozygotes.

Submissions (2):

Labcorp Genetics (formerly Invitae), Labcorp
Classification: Uncertain significance. Last evaluated: 2025-09-23. Review status: criteria provided, single submitter. Criteria: Invitae Variant Classification Sherloc (09022015). Collection method: clinical testing. Allele origin: germline.
Comment: This sequence change replaces asparagine, which is neutral and polar, with threonine, which is neutral and polar, at codon 388 of the A2ML1 protein (p.Asn388Thr). This variant is present in population databases (no rsID available, gnomAD 0.004%). This variant has not been reported in the literature in individuals affected with A2ML1-related conditions. ClinVar contains an entry for this variant (Variation ID: 1737434). An algorithm developed to predict the effect of missense changes on protein structure and function outputs the following: PolyPhen-2: "Benign". The threonine amino acid residue is found in multiple mammalian species, which suggests that this missense change does not adversely affect protein function. In summary, the available evidence is currently insufficient to determine the role of this variant in disease. Therefore, it has been classified as a Variant of Uncertain Significance.

Ambry Genetics
Classification: Uncertain significance. Last evaluated: 2025-04-25. Review status: criteria provided, single submitter. Criteria: Ambry Variant Classification Scheme 2023. Collection method: clinical testing. Allele origin: germline.